The following is an entry in ClinVar:

ClinVar aggregate classification (germline): Pathogenic. Review status: criteria provided, multiple submitters, no conflicts (2 of 4 stars). 3 submissions from 3 submitters: Pathogenic (3). Last evaluated 2025-05-23.

Conditions:
Cardiomyopathy (CMYO). Also called: Cardiomyopathies. Identifiers: Orphanet 167848, MedGen C0878544, MONDO:0004994, HP:0001638. Inheritance: Various modes of inheritance.
MYBPC3-related disorder. Also called: MYBPC3-related condition; MYBPC3-related disease; MYBPC3-related disorders.
Hypertrophic cardiomyopathy. Also called: HYPERTROPHIC MYOCARDIOPATHY. Identifiers: Orphanet 217569, MedGen C0007194, MeSH D002312, MONDO:0005045, HP:0001639.

Submissions (3):

PreventionGenetics, part of Exact Sciences
Classification: Pathogenic for MYBPC3-related condition. Last evaluated: 2025-05-23. Review status: criteria provided, single submitter. Criteria: ACMG Guidelines, 2015. Collection method: clinical testing. Allele origin: germline.
Comment: The MYBPC3 c.351_352delTG variant is predicted to result in a frameshift and premature protein termination (p.Gly118Argfs*8). This variant has been reported in individuals with hypertrophic cardiomyopathy (Table S1, Lopes et al. 2015. PubMed ID: 25351510; Table S1A, Walsh et al. 2016. PubMed ID: 27532257). This variant has not been reported in a large population database (gnomAD), indicating this variant is rare. Frameshift variants in MYBPC3 are expected to be pathogenic. This variant is interpreted as pathogenic.

Labcorp Genetics (formerly Invitae), Labcorp
Classification: Pathogenic for Hypertrophic cardiomyopathy. Last evaluated: 2024-12-17. Review status: criteria provided, single submitter. Criteria: Invitae Variant Classification Sherloc (09022015). Collection method: clinical testing. Allele origin: germline.
Comment: This sequence change creates a premature translational stop signal (p.Gly118Argfs*8) in the MYBPC3 gene. It is expected to result in an absent or disrupted protein product. Loss-of-function variants in MYBPC3 are known to be pathogenic (PMID: 19574547). This variant is not present in population databases (gnomAD no frequency). This premature translational stop signal has been observed in individual(s) with hypertrophic cardiomyopathy (PMID: 25351510). For these reasons, this variant has been classified as Pathogenic.

Women's Health and Genetics/Laboratory Corporation of America, LabCorp
Classification: Pathogenic for Cardiomyopathy. Last evaluated: 2024-11-26. Review status: criteria provided, single submitter. Criteria: LabCorp Variant Classification Summary - May 2015. Collection method: clinical testing. Allele origin: germline.
Comment: Variant summary: MYBPC3 c.351_352delTG (p.Gly118ArgfsX8) results in a premature termination codon, predicted to cause a truncation of the encoded protein or absence of the protein due to nonsense mediated decay, which are commonly known mechanisms for disease. The variant was absent in 155646 control chromosomes. c.351_352delTG has been reported in the literature in at-least one individual affected with Cardiomyopathy (example: Lopes_2015). The following publication has been ascertained in the context of this evaluation (PMID: 25351510). No submitters have cited clinical-significance assessments for this variant to ClinVar. Based on the evidence outlined above, the variant was classified as pathogenic.

Literature cited by the submitters: PubMed 19574547 (cited by Labcorp Genetics (formerly Invitae), Labcorp); PubMed 25351510 (cited by Labcorp Genetics (formerly Invitae), Labcorp and Women's Health and Genetics/Laboratory Corporation of America, LabCorp).

NM_000256.3(MYBPC3):c.351_352del (p.Gly118fs)

Gene: MYBPC3 (myosin binding protein C3; minus strand). Cytogenetic location: 11p11.2.
Variant type: Deletion.
Coding change: c.351_352del on transcript NM_000256.3 (MANE Select); coding-DNA positions 351 to 352, 2 bases deleted (TG; older notation c.351_352delTG).
Protein change: p.Gly118fs; shifts the reading frame from glycine 118.
Molecular consequence: frameshift variant.
Genome position (GRCh38, 1-based): chr11:47,350,556-47,350,557, CA deleted on the plus strand (TG on the coding strand, the reverse complement: MYBPC3 is on the minus strand). VCF-style (leftmost placement, unchanged base first): chr11-47350555-CCA-C. GRCh37 (hg19) VCF-style: chr11-47372106-CCA-C.
Other names: c.351_352delTG (NM_000256.3); short protein forms G118fs.
Identifiers: ClinVar variation 3629563 (VCV003629563.5).